The following is an entry in ClinVar:

ClinVar aggregate classification (germline): Uncertain significance (1 of 4 stars; one submission).

Conditions:
Frasier syndrome. Identifiers: Orphanet 347, MedGen C0950122, MeSH D052159, MONDO:0007635, OMIM 136680.
Drash syndrome (DDS). Also called: WILMS TUMOR AND PSEUDO- OR TRUE HERMAPHRODITISM; NEPHROPATHY, WILMS TUMOR, AND GENITAL ANOMALIES. Identifiers: Orphanet 220, MedGen C0950121, MONDO:0008682, OMIM 194080.
Wilms tumor 1 (WT1). Also called: Wilms tumor, somatic. Identifiers: Orphanet 654, MedGen CN033288, MONDO:0008679, OMIM 194070.
11p partial monosomy syndrome (WAGR). Also called: WAGR Spectrum Disorder; WAGR syndrome; CHROMOSOME 11p13 DELETION SYNDROME; WAGR Complex. Identifiers: Orphanet 893, MedGen C0206115, MONDO:0008681, OMIM 194072.

Allele frequency attached by ClinVar (database versions not stated): gnomAD exomes below 0.00001; ExAC 0.00001.
gnomAD v4.1: 1 of 1,613,934 alleles (0.000062%); highest among the groups gnomAD compares: East Asian, 0.0022%; no homozygotes.

Submission:

Labcorp Genetics (formerly Invitae), Labcorp
Classification: Uncertain significance for Wilms tumor 1; Drash syndrome; 11p partial monosomy syndrome; Frasier syndrome. Last evaluated: 2024-10-15. Review status: criteria provided, single submitter. Criteria: Invitae Variant Classification Sherloc (09022015). Collection method: clinical testing. Allele origin: germline.
Comment: This sequence change affects an acceptor splice site in intron 4 of the WT1 gene. It is expected to disrupt RNA splicing. Variants that disrupt the donor or acceptor splice site typically lead to a loss of protein function (PMID: 16199547), and loss-of-function variants in WT1 are known to be pathogenic (PMID: 15150775). This variant is present in population databases (rs773989805, gnomAD 0.006%). This variant has not been reported in the literature in individuals affected with WT1-related conditions. ClinVar contains an entry for this variant (Variation ID: 1405221). Algorithms developed to predict the effect of sequence changes on RNA splicing suggest that this variant may disrupt the consensus splice site. Several WT1 isoforms that lack exon 5 have been described in the literature. The functional significance of these WT1 isoforms is unknown (PMID: 8621495). However, transgenic mice lacking exon 5 of WT1 (17 amino acids) develop normally and are fertile (PMID: 12024052). Based on these results, the impact of this variant on WT1 protein function is uncertain. In summary, the available evidence is currently insufficient to determine the role of this variant in disease. Therefore, it has been classified as a Variant of Uncertain Significance.

Literature cited by the submitters: PubMed 16199547; PubMed 15150775; PubMed 8621495; PubMed 12024052.

NM_024426.6(WT1):c.966-1G>A

Gene: WT1 (WT1 transcription factor; minus strand). Cytogenetic location: 11p13.
Variant type: single nucleotide variant.
Coding change: c.966-1G>A on transcript NM_024426.6 (MANE Select); the canonical splice acceptor site of the intron before coding-DNA position 966, G replaced by A.
Molecular consequence: splice acceptor variant. On other transcripts: intron variant (6).
Genome position (GRCh38, 1-based): chr11:32,416,541, C>T on the plus strand (G>A on the coding strand, the complement: WT1 is on the minus strand). VCF-style: chr11-32416541-C-T. GRCh37 (hg19) VCF-style: chr11-32438087-C-T.
Other names: c.842+1036G>A (NM_001407050.1); c.843-1G>A (NM_001407047.1); c.965+1036G>A (NM_001407048.1, NM_001407049.1, NM_000378.6 and 1 more transcripts); c.966-1G>A (NM_001407044.1, NM_001407046.1, NM_024424.5); c.204-1G>A (NM_001407051.1); c.314+1036G>A (NM_001198552.2); c.315-1G>A (NM_001198551.2).
Identifiers: ClinVar variation 1405221 (VCV001405221.7), dbSNP rs773989805, ClinGen allele CA065967.